The following is an entry in ClinVar:

ClinVar aggregate classification (germline): Uncertain significance (1 of 4 stars; one submission).

Allele frequency attached by ClinVar (database versions not stated): gnomAD 0.00001; gnomAD exomes 0.00001; ExAC 0.00003.
gnomAD v4.1: 13 of 1,571,696 alleles (0.00083%); highest among the groups gnomAD compares: African/African-American, 0.0014%; no homozygotes.

Submission:

Labcorp Genetics (formerly Invitae), Labcorp
Classification: Uncertain significance. Last evaluated: 2026-01-08. Review status: criteria provided, single submitter. Criteria: Invitae Variant Classification Sherloc (09022015). Collection method: clinical testing. Allele origin: germline.
Comment: This sequence change replaces serine, which is neutral and polar, with leucine, which is neutral and non-polar, at codon 582 of the RIMS1 protein (p.Ser582Leu). The frequency data for this variant in the population databases is considered unreliable, as metrics indicate poor data quality at this position in the gnomAD database. This variant has not been reported in the literature in individuals affected with RIMS1-related conditions. ClinVar contains an entry for this variant (Variation ID: 1409342). An algorithm developed to predict the effect of missense changes on protein structure and function (PolyPhen-2) suggests that this variant is likely to be disruptive. In summary, the available evidence is currently insufficient to determine the role of this variant in disease. Therefore, it has been classified as a Variant of Uncertain Significance.

NM_014989.7(RIMS1):c.1745C>T (p.Ser582Leu)

Gene: RIMS1 (regulating synaptic membrane exocytosis 1; plus strand). Cytogenetic location: 6q13.
Variant type: single nucleotide variant.
Coding change: c.1745C>T on transcript NM_014989.7 (MANE Select); coding-DNA position 1745, C replaced by T.
Protein change: p.Ser582Leu; replaces serine 582 with leucine.
Molecular consequence: missense variant. On other transcripts: 5 prime UTR variant (9).
Genome position (GRCh38, 1-based): chr6:72,233,839, C>T. VCF-style: chr6-72233839-C-T. GRCh37 (hg19) VCF-style: chr6-72943542-C-T.
Other names: c.167C>T, p.Ser56Leu (NM_001168407.2, NM_001168408.2, NM_001350414.2 and 37 more transcripts); c.-77C>T (NM_001168409.2, NM_001350461.2, NM_001350463.2 and 6 more transcripts); c.122C>T, p.Ser41Leu (NM_001168410.2, NM_001350470.2, NM_001350472.2 and 2 more transcripts); c.98C>T, p.Ser33Leu (NM_001350421.2, NM_001350424.2, NM_001350428.2 and 6 more transcripts); short protein forms S33L, S582L, S41L, S56L.
Identifiers: ClinVar variation 1409342 (VCV001409342.8), dbSNP rs779418222, ClinGen allele CA3885792.